The following is an entry in ClinVar:

NM_001613.4(ACTA2):c.445C>T (p.Arg149Cys)

Gene: ACTA2 (actin alpha 2, smooth muscle; minus strand). Cytogenetic location: 10q23.31.
Variant type: single nucleotide variant.
Coding change: c.445C>T on transcript NM_001613.4 (MANE Select); coding-DNA position 445, C replaced by T.
Protein change: p.Arg149Cys; replaces arginine 149 with cysteine.
Molecular consequence: missense variant.
Genome position (GRCh38, 1-based): chr10:88,941,794, G>A on the plus strand (C>T on the coding strand, the complement: ACTA2 is on the minus strand). VCF-style: chr10-88941794-G-A. GRCh37 (hg19) VCF-style: chr10-90701551-G-A.
Other names: c.445C>T, p.Arg149Cys (NM_001141945.3, NM_001320855.2, NM_001406462.1 and 3 more transcripts); c.334C>T, p.Arg112Cys (NM_001406466.1); c.316C>T, p.Arg106Cys (NM_001406467.1, NM_001406468.1, NM_001406469.1); short protein forms R149C, R106C, R112C.
Identifiers: ClinVar variation 18276 (VCV000018276.70), dbSNP rs121434526, ClinGen allele CA006936.
Genomic context (GRCh38, chr10:88,941,794, plus strand): 5'-CATCTCTGGCAGTGCGCTCCAACCAGCTTGCTGTCCCGCCCAGCCACCTACCAGTTGTGC[G>A]TCCAGAGGCATAGAGAGACAGCACCGCCTGGATAGCCACATACATGGCTGGGACATTGAA-3'
Protein context (NP_001604.1, residues 139-159): QAVLSLYASG[Arg149Cys]TTGIVLDSGD

ClinVar aggregate classification (germline): Pathogenic. Review status: criteria provided, multiple submitters, no conflicts (2 of 4 stars). 16 submissions from 16 submitters: Pathogenic (12). 4 of the submissions do not count toward it. Last evaluated 2026-06-01.

Conditions:
ACTA2-related disorder. Also called: ACTA2-related condition; ACTA2-related disorders.
Cardiovascular phenotype. Identifiers: MedGen CN230736.
Familial thoracic aortic aneurysm and aortic dissection (TAAD). Also called: Thoracic aortic aneurysms and dissections. Identifiers: Orphanet 91387, MedGen C4707243, MONDO:0019625.
Aortic aneurysm, familial thoracic 2 (AAT2). Identifiers: MedGen C1846837, MONDO:0011770, OMIM 607087.
Aortic aneurysm, familial thoracic 6 (AAT6). Also called: FAMILIAL THORACIC AORTIC ANEURYSM WITH LIVEDO RETICULARIS AND IRIS FLOCCULI. Identifiers: MedGen C2673186, MONDO:0012730, OMIM 611788.

Allele frequency attached by ClinVar (database versions not stated): gnomAD 0.00001; gnomAD exomes 0.00001.
gnomAD v4.1: 4 of 1,611,822 alleles (0.00025%); highest among the groups gnomAD compares: South Asian, 0.0011%; no homozygotes.

Submissions 1 to 9 of 16:

Women's Health and Genetics/Laboratory Corporation of America, LabCorp
Classification: Pathogenic for Familial thoracic aortic aneurysm and aortic dissection. Last evaluated: 2026-06-01. Review status: criteria provided, single submitter. Criteria: LabCorp Variant Classification Summary - May 2015. Collection method: clinical testing. Allele origin: germline.
Comment: Variant summary: ACTA2 c.445C>T (p.Arg149Cys) results in a non-conservative amino acid change in the encoded protein sequence. Algorithms developed to predict the effect of missense changes on protein structure and function all suggest that this variant is likely to be disruptive. The frequency data for this variant in gnomAD is considered unreliable, as metrics indicate poor data quality at this position. c.445C>T has been observed in multiple individuals affected with Familial thoracic aortic aneurysm and aortic dissection (e.g. Guo_2007, Chamney_2015, Morisaki_2009) and shown to segregate with disease. These data indicate that the variant is very likely to be associated with disease. To our knowledge, no experimental evidence demonstrating an impact on protein function has been reported. The following publications have been ascertained in the context of this evaluation (PMID: 24020716, 17994018, 19639654). ClinVar contains an entry for this variant (Variation ID: 18276). Based on the evidence outlined above, the variant was classified as pathogenic.

Labcorp Genetics (formerly Invitae), Labcorp
Classification: Pathogenic for Aortic aneurysm, familial thoracic 6. Last evaluated: 2025-12-10. Review status: criteria provided, single submitter. Criteria: Invitae Variant Classification Sherloc (09022015). Collection method: clinical testing. Allele origin: germline.
Comment: This sequence change replaces arginine, which is basic and polar, with cysteine, which is neutral and slightly polar, at codon 149 of the ACTA2 protein (p.Arg149Cys). This variant is present in population databases (rs121434526, gnomAD 0.0008%). This missense change has been observed in individuals with thoracic aortic aneurysms and dissections (PMID: 19409525, 21212136, 21248741, 24020716, 25644172). It has also been observed to segregate with disease in related individuals. ClinVar contains an entry for this variant (Variation ID: 18276). Invitae Evidence Modeling of protein sequence and biophysical properties (such as structural, functional, and spatial information, amino acid conservation, physicochemical variation, residue mobility, and thermodynamic stability) indicates that this missense variant is not expected to disrupt ACTA2 protein function with a negative predictive value of 80%. For these reasons, this variant has been classified as Pathogenic.

Molecular Diagnostic Laboratory for Inherited Cardiovascular Disease, Montreal Heart Institute
Classification: Pathogenic for Cardiovascular phenotype. Last evaluated: 2025-07-07. Review status: criteria provided, single submitter. Criteria: ACMG Guidelines, 2015. Collection method: clinical testing. Allele origin: germline. Affected: yes.
Comment: PS4, PP1_strong, PS3_mod, PM2, PM5_supp, PP2, PP3

Dasa
Classification: Pathogenic. Last evaluated: 2025-05-06. Review status: criteria provided, single submitter. Criteria: DASA Assertion Criteria. Collection method: clinical testing. Allele origin: germline.
Comment: NM_001613.4(ACTA2):c.445C>T (p.Arg149Cys) is a missense variant that results in the substitution of arginine with cysteine. The affected residue or protein region has prior evidence supporting clinical relevance. Segregation evidence has been reported in affected families. This variant has been recurrently observed in individuals with related phenotype (PMID: 19409525; PMID: 21212136; PMID: 21248741). Multiple computational predictions support a deleterious effect on the gene or gene product. The variant is present at low frequency in population datasets. Based on the available data, this variant is classified as pathogenic.

PreventionGenetics, part of Exact Sciences
Classification: Pathogenic for ACTA2-related condition. Last evaluated: 2024-12-17. Review status: criteria provided, single submitter. Criteria: ACMG Guidelines, 2015. Collection method: clinical testing. Allele origin: germline.
Comment: The ACTA2 c.445C>T variant is predicted to result in the amino acid substitution p.Arg149Cys. This variant has been reported in multiple unrelated individuals with thoracic aortic aneurysms and dissections (Guo et al. 2007. PubMed ID: 17994018; Chamney et al. 2013. PubMed ID: 24020716; Campens et al. 2015. PubMed ID: 25644172; Li et al. 2021. PubMed ID: 34498425). A mouse model of ACTA2 p.Arg149Cys showed significantly decreased aortic contraction (Chen et al. 2021. PubMed ID: 34600884). This variant is reported in 0.00079% of alleles in individuals of European (Non-Finnish) descent in gnomAD. This variant is interpreted as pathogenic.

GeneDx
Classification: Pathogenic. Last evaluated: 2024-12-06. Review status: criteria provided, single submitter. Criteria: GeneDx Variant Classification Process June 2021. Collection method: clinical testing. Allele origin: germline. Affected: yes.
Comment: Published functional studies in mice demonstrate a damaging effect through decreased force generation of aortic rings, and increased aortic wall thickness (PMID: 34600884); In silico analysis supports that this missense variant has a deleterious effect on protein structure/function; Not observed at significant frequency in large population cohorts (gnomAD); This variant is associated with the following publications: (PMID: 31589614, 36938085, 36053285, 34498425, 29907982, 19639654, 19409525, 19778989, 21212136, 24243736, 25644172, 24020716, 29055370, 31911781, 32154576, 17994018, 34600884)

Ambry Genetics
Classification: Pathogenic for Familial thoracic aortic aneurysm and aortic dissection. Last evaluated: 2024-07-02. Review status: criteria provided, single submitter. Criteria: Ambry Variant Classification Scheme 2023. Collection method: clinical testing. Allele origin: germline.
Comment: The p.R149C pathogenic mutation (also known as c.445C>T), located in coding exon 4 of the ACTA2 gene, results from a C to T substitution at nucleotide position 445. The arginine at codon 149 is replaced by cysteine, an amino acid with highly dissimilar properties. This missense alteration is located in a region that has a low rate of benign missense variation (Lek M et al. Nature. 2016 Aug 18;536(7616):285-91; DECIPHER: Database of Chromosomal Imbalance and Phenotype in Humans using Ensembl Resources. Firth H.V. et al. 2009. Am.J.Hum.Genet. 84, 524-533 (DOI)). This variant has been detected in individuals with features consistent with thoracic aortic aneurysm and dissection (TAAD) or other ACTA2-related vascular phenotypes, and has been reported to segregate with disease features in families (Guo DC et al. Nat Genet. 2007;39(12):1488-1493; Guo DC et al. Am J Hum Genet. 2009;84(5):617-627; Morisaki H et al. Hum Mutat. 2009;30(10):4106-1411). This amino acid position is highly conserved in available vertebrate species. In addition, this alteration is predicted to be deleterious by in silico analysis. This variant is considered to be rare based on population cohorts in the Genome Aggregation Database (gnomAD). Based on the supporting evidence, this variant is interpreted as a disease-causing mutation.

Blueprint Genetics
Classification: Pathogenic for ACTA2-related disorders. Last evaluated: 2024-04-25. Review status: criteria provided, single submitter. Criteria: ACMG Guidelines, 2015. Collection method: clinical testing. Allele origin: germline. Affected: yes. Observed: 5 variant alleles.

Color Diagnostics, LLC DBA Color Health
Classification: Pathogenic for Familial thoracic aortic aneurysm and aortic dissection. Last evaluated: 2024-01-09. Review status: criteria provided, single submitter. Criteria: ACMG Guidelines, 2015. Collection method: clinical testing. Allele origin: germline.
Comment: This missense variant replaces arginine with cysteine at codon 149 of the ACTA2 protein. Computational prediction tools indicate that this variant has a deleterious impact on protein structure and function. Functional studies using a transgenic mouse model have shown that this variant causes decreased aortic contraction and reduced interaction with matrix, but mice did not develop aortic aneurysms or dissections (PMID: 34600884, 37298565). This variant has been reported in over 10 individuals affected with thoracic aortic aneurysm and aortic dissection (PMID: 17994018, 19409525, 19639654, 19778989, 21212136, 24020716, 24243736, 29055370, 29907982, 30071990, 30739908, 31911781, 34688429, 36053285). It has been shown that this variant segregates with disease in multiple individuals across multiple families (PMID: 17994018, 19409525, 19639654, 21212136, 24020716, 31911781). Additionally, this variant has been reported in two individuals affected with heritable thoracic aortic disorder (PMID: 25644172, 37042257). This variant has been identified in 1/31396 chromosomes in the general population by the Genome Aggregation Database (gnomAD). Based on the available evidence, this variant is classified as Pathogenic.